The following is an entry in ClinVar:

NM_001042492.3(NF1):c.4705T>A (p.Phe1569Ile)

Gene: NF1 (neurofibromin 1; plus strand). Cytogenetic location: 17q11.2.
Variant type: single nucleotide variant.
Coding change: c.4705T>A on transcript NM_001042492.3 (MANE Select); coding-DNA position 4705, T replaced by A.
Protein change: p.Phe1569Ile; replaces phenylalanine 1569 with isoleucine.
Molecular consequence: missense variant.
Genome position (GRCh38, 1-based): chr17:31,261,838, T>A. VCF-style: chr17-31261838-T-A. GRCh37 (hg19) VCF-style: chr17-29588856-T-A.
Other names: c.4642T>A, p.Phe1548Ile (NM_000267.4); short protein forms F1548I, F1569I.
Identifiers: ClinVar variation 3879128 (VCV003879128.1).

ClinVar aggregate classification (germline): Uncertain significance (1 of 4 stars; one submission).

Conditions:
Cardiovascular phenotype. Identifiers: MedGen CN230736.
Hereditary cancer-predisposing syndrome. Also called: Tumor predisposition; Neoplastic Syndromes, Hereditary; Hereditary Cancer Syndrome; Hereditary neoplastic syndrome. Identifiers: Orphanet 140162, MedGen C0027672, MeSH D009386, MONDO:0015356.

Submission:

Ambry Genetics
Classification: Uncertain significance for Cardiovascular phenotype; Hereditary cancer-predisposing syndrome. Last evaluated: 2025-02-21. Review status: criteria provided, single submitter. Criteria: Ambry Variant Classification Scheme 2023. Collection method: clinical testing. Allele origin: germline.
Comment: The p.F1548I variant (also known as c.4642T>A), located in coding exon 34 of the NF1 gene, results from a T to A substitution at nucleotide position 4642. The phenylalanine at codon 1548 is replaced by isoleucine, an amino acid with highly similar properties. This amino acid position is conserved. In addition, the in silico prediction for this alteration is inconclusive. Based on the available evidence, the clinical significance of this variant remains unclear.